The following is an entry in ClinVar:

NM_020774.4(MIB1):c.1435A>G (p.Ile479Val)

Gene: MIB1 (MIB E3 ubiquitin protein ligase 1; plus strand). Cytogenetic location: 18q11.2.
Variant type: single nucleotide variant.
Coding change: c.1435A>G on transcript NM_020774.4 (MANE Select); coding-DNA position 1435, A replaced by G.
Protein change: p.Ile479Val; replaces isoleucine 479 with valine.
Molecular consequence: missense variant.
Genome position (GRCh38, 1-based): chr18:21,803,970, A>G. VCF-style: chr18-21803970-A-G. GRCh37 (hg19) VCF-style: chr18-19383931-A-G.
Other names: short protein forms I479V.
Identifiers: ClinVar variation 1202826 (VCV001202826.5), dbSNP rs147461251, ClinGen allele CA8908282.

ClinVar aggregate classification (germline): Likely benign. Review status: criteria provided, single submitter (1 of 4 stars). 2 submissions from 2 submitters: Likely benign (1). 1 of the submissions does not count toward it. Last evaluated 2020-06-04.

Conditions:
MIB1-related disorder. Also called: MIB1-related condition.

Allele frequency attached by ClinVar (database versions not stated): gnomAD exomes 0.00003 and 0.00012; ExAC 0.00012; 1000 Genomes Project 30x 0.00016; 1000 Genomes Project 0.00020; gnomAD 0.00032 and 0.00035; TOPMed 0.00040; ESP Exome Variant Server 0.00046.
gnomAD v4.1: 95 of 1,613,830 alleles (0.0059%); highest among the groups gnomAD compares: African/African-American, 0.11%; no homozygotes.

Submissions (2):

GeneDx
Classification: Likely benign. Last evaluated: 2020-06-04. Review status: criteria provided, single submitter. Criteria: GeneDx Variant Classification Process June 2021. Collection method: clinical testing. Allele origin: germline. Affected: yes.

PreventionGenetics, part of Exact Sciences
Classification: Likely benign for MIB1-related condition. Last evaluated: 2023-07-25. Review status: no assertion criteria provided. Collection method: clinical testing. Allele origin: germline. Not counted in ClinVar's aggregate classification.
Comment: This variant is classified as likely benign based on ACMG/AMP sequence variant interpretation guidelines (Richards et al. 2015 PMID: 25741868, with internal and published modifications).